The following is an entry in ClinVar:

ClinVar aggregate classification (germline): Benign/Likely benign. Review status: criteria provided, multiple submitters, no conflicts (2 of 4 stars). 2 submissions from 2 submitters: Benign (1); Likely benign (1). Last evaluated 2025-05-17.

gnomAD v4.1: 75 of 1,612,682 alleles (0.0047%); highest among the groups gnomAD compares: African/African-American, 0.008%; no homozygotes.

Submissions (2):

Labcorp Genetics (formerly Invitae), Labcorp
Classification: Benign. Last evaluated: 2025-05-17. Review status: criteria provided, single submitter. Criteria: Invitae Variant Classification Sherloc (09022015). Collection method: clinical testing. Allele origin: germline.

Mayo Clinic Laboratories, Mayo Clinic
Classification: Likely benign. Last evaluated: 2024-11-26. Review status: criteria provided, single submitter. Criteria: ACMG Guidelines, 2015. Collection method: clinical testing. Allele origin: germline. Observed: 1 variant allele.
Comment: BP4, BP7, PM2_supporting

NM_003126.4(SPTA1):c.6135C>T (p.Phe2045=)

Gene: SPTA1 (spectrin alpha, erythrocytic 1; minus strand). Cytogenetic location: 1q23.1.
Variant type: single nucleotide variant.
Coding change: c.6135C>T on transcript NM_003126.4 (MANE Select); coding-DNA position 6135, C replaced by T.
Protein change: p.Phe2045=; no amino-acid change (phenylalanine 2045 retained).
Molecular consequence: synonymous variant.
Genome position (GRCh38, 1-based): chr1:158,620,452, G>A on the plus strand (C>T on the coding strand, the complement: SPTA1 is on the minus strand). VCF-style: chr1-158620452-G-A. GRCh37 (hg19) VCF-style: chr1-158590242-G-A.
Other names: p.Phe2045=.
Identifiers: ClinVar variation 4683597 (VCV004683597.2).
Genomic context (GRCh38, chr1:158,620,452, plus strand): 5'-GTTTTCTTCCATCTTTTCACACCAGTTGTTCAAAGCTGAAGCCTTATGTGCAAATTCCAC[G>A]AACAGGTCCTCAGCCTGCAGAGAGAAAAAAAAGACACTACCATCTTTCCTGATAAAGCCT-3'
Protein context (NP_003117.2, residues 2035-2055): QLPLQKAEDL[Phe2045=]VEFAHKASAL